The following is an entry in ClinVar:

NM_000069.3(CACNA1S):c.4808G>C (p.Gly1603Ala)

Gene: CACNA1S (calcium voltage-gated channel subunit alpha1 S; minus strand). Cytogenetic location: 1q32.1.
Variant type: single nucleotide variant.
Coding change: c.4808G>C on transcript NM_000069.3 (MANE Select); coding-DNA position 4808, G replaced by C.
Protein change: p.Gly1603Ala; replaces glycine 1603 with alanine.
Molecular consequence: missense variant.
Genome position (GRCh38, 1-based): chr1:201,043,521, C>G on the plus strand (G>C on the coding strand, the complement: CACNA1S is on the minus strand). VCF-style: chr1-201043521-C-G. GRCh37 (hg19) VCF-style: chr1-201012649-C-G.
Other names: short protein forms G1603A.
Identifiers: ClinVar variation 5009646 (VCV005009646.1).
Genomic context (GRCh38, chr1:201,043,521, plus strand): 5'-GCCATGACGGGGGGCAGGGAGTTGGTCCTTTCCAGGAAGTTGTCCACCTGGCCAAACAGG[C>G]CTCCAGTCCTCTAGGGGCAAGGAGAAGAGCAGTGACTGGGGGTGAGGGCAGGGAGGGCAT-3'
Protein context (NP_000060.2, residues 1593-1613): MEEGIFRRTG[Gly1603Ala]LFGQVDNFLE

ClinVar aggregate classification (germline): Uncertain significance (1 of 4 stars; one submission).

gnomAD v4.1: 1 of 1,613,832 alleles (0.000062%); highest among the groups gnomAD compares: East Asian, 0.0022%; no homozygotes.

Submission:

GeneDx
Classification: Uncertain significance. Last evaluated: 2026-02-17. Review status: criteria provided, single submitter. Criteria: GeneDx Variant Classification Process June 2021. Collection method: clinical testing. Allele origin: germline.
Comment: In silico analysis supports that this missense variant has a deleterious effect on protein structure/function; Has not been previously published as pathogenic or benign to our knowledge